The following is an entry in ClinVar:

ClinVar aggregate classification (germline): Uncertain significance. Review status: criteria provided, multiple submitters, no conflicts (2 of 4 stars). 2 submissions from 2 submitters: Uncertain significance (2). Last evaluated 2025-10-07.

Conditions:
Inborn genetic diseases. Identifiers: MedGen C0950123, MeSH D030342.
Spastic paraplegia. Identifiers: MedGen C0037772, HP:0001258.

Allele frequency attached by ClinVar (database versions not stated): TOPMed below 0.00001.

Submissions (2):

Ambry Genetics
Classification: Uncertain significance for Inborn genetic diseases. Last evaluated: 2025-10-07. Review status: criteria provided, single submitter. Criteria: Ambry Variant Classification Scheme 2023. Collection method: clinical testing. Allele origin: germline.

Labcorp Genetics (formerly Invitae), Labcorp
Classification: Uncertain significance for Spastic paraplegia. Last evaluated: 2022-03-29. Review status: criteria provided, single submitter. Criteria: Invitae Variant Classification Sherloc (09022015). Collection method: clinical testing. Allele origin: germline.
Comment: In summary, the available evidence is currently insufficient to determine the role of this variant in disease. Therefore, it has been classified as a Variant of Uncertain Significance. Advanced modeling of protein sequence and biophysical properties (such as structural, functional, and spatial information, amino acid conservation, physicochemical variation, residue mobility, and thermodynamic stability) performed at Invitae indicates that this missense variant is not expected to disrupt KIF5A protein function. This variant has not been reported in the literature in individuals affected with KIF5A-related conditions. This variant is not present in population databases (gnomAD no frequency). This sequence change replaces serine, which is neutral and polar, with phenylalanine, which is neutral and non-polar, at codon 982 of the KIF5A protein (p.Ser982Phe).

NM_004984.4(KIF5A):c.2945C>T (p.Ser982Phe)

Gene: KIF5A (kinesin family member 5A; plus strand). Cytogenetic location: 12q13.3.
Variant type: single nucleotide variant.
Coding change: c.2945C>T on transcript NM_004984.4 (MANE Select); coding-DNA position 2945, C replaced by T.
Protein change: p.Ser982Phe; replaces serine 982 with phenylalanine.
Molecular consequence: missense variant.
Genome position (GRCh38, 1-based): chr12:57,581,905, C>T. VCF-style: chr12-57581905-C-T. GRCh37 (hg19) VCF-style: chr12-57975688-C-T.
Other names: c.2945C>T (NM_004984.2); c.2678C>T, p.Ser893Phe (NM_001354705.2); short protein forms S893F, S982F.
Identifiers: ClinVar variation 1345188 (VCV001345188.7), dbSNP rs1211468940, ClinGen allele CA385516641.